The following is an entry in ClinVar:

NM_004333.6(BRAF):c.1315-131T>C

Gene: BRAF (B-Raf proto-oncogene, serine/threonine kinase; minus strand). Cytogenetic location: 7q34.
Variant type: single nucleotide variant.
Coding change: c.1315-131T>C on transcript NM_004333.6 (MANE Select); 131 bases into the intron before coding-DNA position 1315, T replaced by C.
Molecular consequence: intron variant.
Genome position (GRCh38, 1-based): chr7:140,781,824, A>G on the plus strand (T>C on the coding strand, the complement: BRAF is on the minus strand). VCF-style: chr7-140781824-A-G. GRCh37 (hg19) VCF-style: chr7-140481624-A-G.
Other names: c.1315-131T>C (NM_001378474.1, NM_001378468.1, NM_001354609.2); c.1213-131T>C (NM_001378470.1); c.1051-131T>C (NM_001378475.1); c.1204-131T>C (NM_001378471.1); c.1435-131T>C (NM_001374258.1, NM_001374244.1); c.1324-131T>C (NM_001378467.1); c.1159-131T>C (NM_001378472.1, NM_001378473.1); c.1249-131T>C (NM_001378469.1).
Identifiers: ClinVar variation 2658025 (VCV002658025.24), dbSNP rs569230270, ClinGen allele CA168090720.

ClinVar aggregate classification (germline): Likely benign (1 of 4 stars; one submission).

Allele frequency attached by ClinVar (database versions not stated): gnomAD 0.00010; TOPMed 0.00010; gnomAD exomes 0.00024; 1000 Genomes Project 0.00080; 1000 Genomes Project 30x 0.00094.
gnomAD v4.1: 159 of 736,840 alleles (0.022%); highest among the groups gnomAD compares: South Asian, 0.16%; 2 homozygotes.

Submission:

CeGaT Center for Human Genetics Tuebingen
Classification: Likely benign. Last evaluated: 2026-03-01. Review status: criteria provided, single submitter. Criteria: CeGaT Center For Human Genetics Tuebingen Variant Classification Criteria Version 2. Collection method: clinical testing. Allele origin: germline. Affected: yes. Observed: 4 variant alleles.
Comment: BRAF: BS1